The following is an entry in ClinVar:

NM_018076.5(ODAD2):c.2071G>A (p.Glu691Lys)

Gene: ODAD2 (outer dynein arm docking complex subunit 2; minus strand). Cytogenetic location: 10p12.1.
Variant type: single nucleotide variant.
Coding change: c.2071G>A on transcript NM_018076.5 (MANE Select); coding-DNA position 2071, G replaced by A.
Protein change: p.Glu691Lys; replaces glutamic acid 691 with lysine.
Molecular consequence: missense variant.
Genome position (GRCh38, 1-based): chr10:27,939,923, C>T on the plus strand (G>A on the coding strand, the complement: ODAD2 is on the minus strand). VCF-style: chr10-27939923-C-T. GRCh37 (hg19) VCF-style: chr10-28228852-C-T.
Other names: c.2071G>A, p.Glu691Lys (NM_001290020.2); c.646G>A, p.Glu216Lys (NM_001290021.2); c.1147G>A, p.Glu383Lys (NM_001312689.2); short protein forms E691K, E383K, E216K.
Identifiers: ClinVar variation 3302151 (VCV003302151.1).

ClinVar aggregate classification (germline): Uncertain significance (1 of 4 stars; one submission).

Conditions:
Primary ciliary dyskinesia. Also called: Ciliary dyskinesia. Identifiers: Orphanet 244, MedGen C0008780, MONDO:0016575, HP:0012265.

gnomAD v4.1: 53 of 1,609,928 alleles (0.0033%); highest among the groups gnomAD compares: South Asian, 0.057%; 3 homozygotes.

Submission:

Ambry Genetics
Classification: Uncertain significance for Primary ciliary dyskinesia. Last evaluated: 2024-04-05. Review status: criteria provided, single submitter. Criteria: Ambry Variant Classification Scheme 2023. Collection method: clinical testing. Allele origin: germline.
Comment: The p.E691K variant (also known as c.2071G>A), located in coding exon 13 of the ARMC4 gene, results from a G to A substitution at nucleotide position 2071. The glutamic acid at codon 691 is replaced by lysine, an amino acid with similar properties. This amino acid position is conserved. In addition, the in silico prediction for this alteration is inconclusive. Based on the available evidence, the clinical significance of this variant remains unclear.